The following is an entry in ClinVar:

ClinVar aggregate classification (germline): Pathogenic (1 of 4 stars; one submission).

Submission:

GeneDx
Classification: Pathogenic. Last evaluated: 2023-01-12. Review status: criteria provided, single submitter. Criteria: GeneDx Variant Classification Process June 2021. Collection method: clinical testing. Allele origin: germline. Affected: yes.
Comment: Occurs in the triple helical domain and replaces a glycine in a canonical Gly-X-Y repeat; missense substitution of a canonical glycine residue is expected to disrupt normal protein folding and function, and this is an established mechanism of disease (Jovanovic et al., 2021); Not observed at significant frequency in large population cohorts (gnomAD); In silico analysis supports that this missense variant has a deleterious effect on protein structure/function; This variant is associated with the following publications: (PMID: 34007986, 35726512)

NM_000088.4(COL1A1):c.1670G>A (p.Gly557Asp)

Gene: COL1A1 (collagen type I alpha 1 chain; minus strand). Cytogenetic location: 17q21.33.
Variant type: single nucleotide variant.
Coding change: c.1670G>A on transcript NM_000088.4 (MANE Select); coding-DNA position 1670, G replaced by A.
Protein change: p.Gly557Asp; replaces glycine 557 with aspartic acid.
Molecular consequence: missense variant.
Genome position (GRCh38, 1-based): chr17:50,194,040, C>T on the plus strand (G>A on the coding strand, the complement: COL1A1 is on the minus strand). VCF-style: chr17-50194040-C-T. GRCh37 (hg19) VCF-style: chr17-48271401-C-T.
Other names: short protein forms G557D.
Identifiers: ClinVar variation 2572828 (VCV002572828.1), dbSNP rs2509216074, ClinGen allele CA400215625.